The following is an entry in ClinVar:

ClinVar aggregate classification (germline): Pathogenic (1 of 4 stars; one submission).

Submission:

Labcorp Genetics (formerly Invitae), Labcorp
Classification: Pathogenic. Last evaluated: 2022-08-05. Review status: criteria provided, single submitter. Criteria: Invitae Variant Classification Sherloc (09022015). Collection method: clinical testing. Allele origin: germline.
Comment: This variant is not present in population databases (gnomAD no frequency). For these reasons, this variant has been classified as Pathogenic. Algorithms developed to predict the effect of sequence changes on RNA splicing suggest that this variant may disrupt the consensus splice site. This variant has not been reported in the literature in individuals affected with TMTC3-related conditions. This sequence change creates a premature translational stop signal (p.Trp407*) in the TMTC3 gene. It is expected to result in an absent or disrupted protein product. Loss-of-function variants in TMTC3 are known to be pathogenic (PMID: 27773428, 28973161).

Literature cited by the submitters: PubMed 27773428; PubMed 28973161.

NM_181783.4(TMTC3):c.1221G>A (p.Trp407Ter)

Gene: TMTC3 (transmembrane O-mannosyltransferase targeting cadherins 3; plus strand). Cytogenetic location: 12q21.32.
Variant type: single nucleotide variant.
Coding change: c.1221G>A on transcript NM_181783.4 (MANE Select); coding-DNA position 1221, G replaced by A.
Protein change: p.Trp407Ter; replaces tryptophan 407 with a stop codon.
Molecular consequence: nonsense. On other transcripts: non-coding transcript variant (1).
Genome position (GRCh38, 1-based): chr12:88,174,628, G>A. VCF-style: chr12-88174628-G-A. GRCh37 (hg19) VCF-style: chr12-88568405-G-A.
Other names: c.1041G>A, p.Trp347Ter (NM_001366574.1); c.1002G>A, p.Trp334Ter (NM_001366579.1); c.954G>A, p.Trp318Ter (NM_001366580.1); c.528G>A, p.Trp176Ter (NM_001366583.1); short protein forms W176*, W318*, W334*, W347*, W407*.
Identifiers: ClinVar variation 2126105 (VCV002126105.4), dbSNP rs1417145000, ClinGen allele CA386114654.
Genomic context (GRCh38, chr12:88,174,628, plus strand): 5'-AGACAATTTTTTTTGTTTTGCTTTTTTTCTCTTAAACAGTGTATTTAAAAAGCTATCCTG[G>A]ATTTGTCTGTCTATGGTGATACTCACTCATTCCTTAAAAACATTCCACAGAAATTGGGAT-3'